The following is an entry in ClinVar:

ClinVar aggregate classification (germline): Benign/Likely benign. Review status: criteria provided, multiple submitters, no conflicts (2 of 4 stars). 2 submissions from 2 submitters: Benign (1); Likely benign (1). Last evaluated 2023-01-01.

Allele frequency attached by ClinVar (database versions not stated): 1000 Genomes Project 30x 0.00172; 1000 Genomes Project 0.00180; TOPMed 0.00308; ESP Exome Variant Server 0.00316; gnomAD 0.00440 and 0.00463; gnomAD exomes 0.00467 and 0.00513; ExAC 0.00503.
gnomAD v4.1: 8,095 of 1,613,434 alleles (0.5%); highest among the groups gnomAD compares: Non-Finnish European, 0.53%; 42 homozygotes.

Submissions (2):

CeGaT Center for Human Genetics Tuebingen
Classification: Likely benign. Last evaluated: 2023-01-01. Review status: criteria provided, single submitter. Criteria: CeGaT Center For Human Genetics Tuebingen Variant Classification Criteria Version 2. Collection method: clinical testing. Allele origin: germline. Affected: yes. Observed: 1 variant allele.
Comment: ZBTB7B: BP4, BP7, BS2

Labcorp Genetics (formerly Invitae), Labcorp
Classification: Benign. Last evaluated: 2018-07-02. Review status: criteria provided, single submitter. Criteria: Invitae Variant Classification Sherloc (09022015). Collection method: clinical testing. Allele origin: germline.

NM_001256455.2(ZBTB7B):c.570G>A (p.Pro190=)

Gene: ZBTB7B (zinc finger and BTB domain containing 7B; plus strand). Cytogenetic location: 1q21.3.
Variant type: single nucleotide variant.
Coding change: c.570G>A on transcript NM_001256455.2 (MANE Select); coding-DNA position 570, G replaced by A.
Protein change: p.Pro190=; no amino-acid change (proline 190 retained).
Molecular consequence: synonymous variant.
Genome position (GRCh38, 1-based): chr1:155,015,230, G>A. VCF-style: chr1-155015230-G-A. GRCh37 (hg19) VCF-style: chr1-154987706-G-A.
Other names: c.672G>A, p.Pro224= (NM_001252406.3, NM_001377451.1); c.570G>A, p.Pro190= (NM_001377452.1, NM_001377453.1, NM_001377454.1 and 1 more transcripts).
Identifiers: ClinVar variation 710306 (VCV000710306.27), dbSNP rs138516998, ClinGen allele CA1134852.